The following is an entry in ClinVar:

ClinVar aggregate classification (germline): Uncertain significance (1 of 4 stars; one submission).

Allele frequency attached by ClinVar (database versions not stated): ESP Exome Variant Server 0.00016.
gnomAD v4.1: 32 of 1,614,096 alleles (0.002%); highest among the groups gnomAD compares: African/African-American, 0.021%; no homozygotes.

Submission:

Labcorp Genetics (formerly Invitae), Labcorp
Classification: Uncertain significance. Last evaluated: 2022-02-20. Review status: criteria provided, single submitter. Criteria: Invitae Variant Classification Sherloc (09022015). Collection method: clinical testing. Allele origin: germline.
Comment: This sequence change replaces arginine, which is basic and polar, with histidine, which is basic and polar, at codon 633 of the FAT4 protein (p.Arg633His). This variant is present in population databases (rs370926669, gnomAD 0.03%). This variant has not been reported in the literature in individuals affected with FAT4-related conditions. Advanced modeling of protein sequence and biophysical properties (such as structural, functional, and spatial information, amino acid conservation, physicochemical variation, residue mobility, and thermodynamic stability) performed at Invitae indicates that this missense variant is not expected to disrupt FAT4 protein function. In summary, the available evidence is currently insufficient to determine the role of this variant in disease. Therefore, it has been classified as a Variant of Uncertain Significance.

NM_001291303.3(FAT4):c.1898G>A (p.Arg633His)

Gene: FAT4 (FAT atypical cadherin 4; plus strand). Cytogenetic location: 4q28.1.
Variant type: single nucleotide variant.
Coding change: c.1898G>A on transcript NM_001291303.3 (MANE Select); coding-DNA position 1898, G replaced by A.
Protein change: p.Arg633His; replaces arginine 633 with histidine.
Molecular consequence: missense variant.
Genome position (GRCh38, 1-based): chr4:125,318,309, G>A. VCF-style: chr4-125318309-G-A. GRCh37 (hg19) VCF-style: chr4-126239464-G-A.
Other names: c.1898G>A, p.Arg633His (NM_001291285.3, NM_024582.6); short protein forms R633H.
Identifiers: ClinVar variation 1373003 (VCV001373003.3), dbSNP rs370926669, ClinGen allele CA3072073.